The following is an entry in ClinVar:

NM_002303.6(LEPR):c.503T>C (p.Val168Ala)

Gene: LEPR (leptin receptor; plus strand). Cytogenetic location: 1p31.3.
Variant type: single nucleotide variant.
Coding change: c.503T>C on transcript NM_002303.6 (MANE Select); coding-DNA position 503, T replaced by C.
Protein change: p.Val168Ala; replaces valine 168 with alanine.
Molecular consequence: missense variant.
Genome position (GRCh38, 1-based): chr1:65,592,665, T>C. VCF-style: chr1-65592665-T-C. GRCh37 (hg19) VCF-style: chr1-66058348-T-C.
Other names: c.503T>C, p.Val168Ala (NM_001003679.3, NM_001003680.3, NM_001198687.2 and 2 more transcripts); short protein forms V168A.
Identifiers: ClinVar variation 4982339 (VCV004982339.1).
Genomic context (GRCh38, chr1:65,592,665, plus strand): 5'-ATCCAGTATTTTCATATCTGTTTTAATATTTAGCTCTTATTTTTCAATATAGGCCTGAAG[T>C]GTTAGAAGATTCACCTCTGGTTCCCCAAAAAGGCAGTTTTCAGATGGTTCACTGCAATTG-3'
Protein context (NP_002294.2, residues 158-178): KVHLLYVLPE[Val168Ala]LEDSPLVPQK

ClinVar aggregate classification (germline): Uncertain significance (1 of 4 stars; one submission).

Conditions:
LEPR-related disorder. Also called: LEPR-related condition; LEPR-related disorders.

gnomAD v4.1: 2 of 1,612,910 alleles (0.00012%); highest among the groups gnomAD compares: Non-Finnish European, 0.00017%; no homozygotes.

Submission:

PreventionGenetics, part of Exact Sciences
Classification: Uncertain significance for LEPR-related condition. Last evaluated: 2026-03-02. Review status: criteria provided, single submitter. Criteria: ACMG Guidelines, 2015. Collection method: clinical testing. Allele origin: germline.
Comment: The LEPR c.503T>C variant is predicted to result in the amino acid substitution p.Val168Ala. To our knowledge, this variant has not been reported in the literature. This variant is reported in 0.0065% of alleles in individuals of European (Non-Finnish) descent in gnomAD. At this time, the clinical significance of this variant is uncertain due to the absence of conclusive functional and genetic evidence.